The following is an entry in ClinVar:

NM_032776.3(JMJD1C):c.5984G>A (p.Gly1995Asp)

Gene: JMJD1C (jumonji domain containing 1C; minus strand). Cytogenetic location: 10q21.3.
Variant type: single nucleotide variant.
Coding change: c.5984G>A on transcript NM_032776.3 (MANE Select); coding-DNA position 5984, G replaced by A.
Protein change: p.Gly1995Asp; replaces glycine 1995 with aspartic acid.
Molecular consequence: missense variant. On other transcripts: non-coding transcript variant (1).
Genome position (GRCh38, 1-based): chr10:63,193,030, C>T on the plus strand (G>A on the coding strand, the complement: JMJD1C is on the minus strand). VCF-style: chr10-63193030-C-T. GRCh37 (hg19) VCF-style: chr10-64952790-C-T.
Other names: c.5438G>A, p.Gly1813Asp (NM_001282948.2, NM_001318154.2); c.5120G>A, p.Gly1707Asp (NM_001318153.2); c.5870G>A, p.Gly1957Asp (NM_001322252.2); c.5327G>A, p.Gly1776Asp (NM_001322254.2, NM_001322258.2); short protein forms G1995D, G1707D, G1813D, G1776D, G1957D.
Identifiers: ClinVar variation 2759845 (VCV002759845.3), dbSNP rs931222342, ClinGen allele CA208361123.

ClinVar aggregate classification (germline): Uncertain significance (1 of 4 stars; one submission).

Conditions:
Early Myoclonic Encephalopathy. Identifiers: MedGen C0270855.

Allele frequency attached by ClinVar (database versions not stated): gnomAD 0.00001.
gnomAD v4.1: 4 of 1,614,074 alleles (0.00025%); highest among the groups gnomAD compares: East Asian, 0.0022%; no homozygotes.

Submission:

Labcorp Genetics (formerly Invitae), Labcorp
Classification: Uncertain significance for Early Myoclonic Encephalopathy. Last evaluated: 2023-10-22. Review status: criteria provided, single submitter. Criteria: Invitae Variant Classification Sherloc (09022015). Collection method: clinical testing. Allele origin: germline.
Comment: This sequence change replaces glycine, which is neutral and non-polar, with aspartic acid, which is acidic and polar, at codon 1995 of the JMJD1C protein (p.Gly1995Asp). This variant is present in population databases (no rsID available, gnomAD 0.003%). This variant has not been reported in the literature in individuals affected with JMJD1C-related conditions. Advanced modeling of protein sequence and biophysical properties (such as structural, functional, and spatial information, amino acid conservation, physicochemical variation, residue mobility, and thermodynamic stability) performed at Invitae indicates that this missense variant is not expected to disrupt JMJD1C protein function. In summary, the available evidence is currently insufficient to determine the role of this variant in disease. Therefore, it has been classified as a Variant of Uncertain Significance.